The following is an entry in ClinVar:

ClinVar aggregate classification (germline): Uncertain significance. Review status: criteria provided, multiple submitters, no conflicts (2 of 4 stars). 2 submissions from 2 submitters: Uncertain significance (2). Last evaluated 2023-11-30.

Conditions:
Long QT syndrome (LQTS). Identifiers: MedGen C0023976, MeSH D008133, MONDO:0002442. Disease mechanism: loss of function. Inheritance: Various modes of inheritance.

Submissions (2):

All of Us Research Program, National Institutes of Health
Classification: Uncertain significance for Long QT syndrome. Last evaluated: 2023-11-30. Review status: criteria provided, single submitter. Criteria: ACMG Guidelines, 2015. Collection method: clinical testing. Allele origin: germline. Inheritance: Autosomal dominant inheritance. Observed: 1 variant allele, 1 heterozygote.
Comment: This study involves interpretation of variants in research participants for the purpose of population health screening. Participant phenotype was not available at the time of variant classification. Additional details can be found in publication PMID: 35346344, PMCID: PMC8962531

Labcorp Genetics (formerly Invitae), Labcorp
Classification: Uncertain significance for Long QT syndrome. Last evaluated: 2022-07-26. Review status: criteria provided, single submitter. Criteria: Invitae Variant Classification Sherloc (09022015). Collection method: clinical testing. Allele origin: germline.
Comment: This sequence change replaces glutamic acid, which is acidic and polar, with glutamine, which is neutral and polar, at codon 978 of the KCNH2 protein (p.Glu978Gln). In summary, the available evidence is currently insufficient to determine the role of this variant in disease. Therefore, it has been classified as a Variant of Uncertain Significance. Algorithms developed to predict the effect of missense changes on protein structure and function are either unavailable or do not agree on the potential impact of this missense change (SIFT: "Tolerated"; PolyPhen-2: "Possibly Damaging"; Align-GVGD: "Class C0"). ClinVar contains an entry for this variant (Variation ID: 1042802). This variant has not been reported in the literature in individuals affected with KCNH2-related conditions. This variant is not present in population databases (gnomAD no frequency).

NM_000238.4(KCNH2):c.2932G>C (p.Glu978Gln)

Gene: KCNH2 (potassium voltage-gated channel subfamily H member 2; minus strand). Cytogenetic location: 7q36.1.
Variant type: single nucleotide variant.
Coding change: c.2932G>C on transcript NM_000238.4 (MANE Select); coding-DNA position 2932, G replaced by C.
Protein change: p.Glu978Gln; replaces glutamic acid 978 with glutamine.
Molecular consequence: missense variant.
Genome position (GRCh38, 1-based): chr7:150,947,639, C>G on the plus strand (G>C on the coding strand, the complement: KCNH2 is on the minus strand). VCF-style: chr7-150947639-C-G. GRCh37 (hg19) VCF-style: chr7-150644727-C-G.
Other names: c.1912G>C, p.Glu638Gln (NM_172057.3); short protein forms E638Q, E978Q.
Identifiers: ClinVar variation 1042802 (VCV001042802.9), dbSNP rs141117135, ClinGen allele CA369853107.
Genomic context (GRCh38, chr7:150,947,639, plus strand): 5'-CCCTCGCCCGCCCGTCGCCCGGGATACCTGACAGGGGGTTGCAAGTGTCGCTGCTCTTCT[C>G]GCAGTCCTCCATCAGGGGCTCCCCACCCGGCGGCTCTCCGGGGGGCCTGGGGCTGGAGAA-3'
Protein context (NP_000229.1, residues 968-988): PGGEPLMEDC[Glu978Gln]KSSDTCNPLS